The following is an entry in ClinVar:

ClinVar aggregate classification (germline): Uncertain significance. Review status: criteria provided, multiple submitters, no conflicts (2 of 4 stars). 2 submissions from 2 submitters: Uncertain significance (2). Last evaluated 2024-05-30.

Conditions:
Inborn genetic diseases. Identifiers: MedGen C0950123, MeSH D030342.

Allele frequency attached by ClinVar (database versions not stated): ExAC 0.00001; gnomAD exomes 0.00001 and 0.00002; gnomAD 0.00002; TOPMed 0.00003.
gnomAD v4.1: 31 of 1,614,020 alleles (0.0019%); highest among the groups gnomAD compares: Non-Finnish European, 0.0026%; no homozygotes.

Submissions (2):

Ambry Genetics
Classification: Uncertain significance for Inborn genetic diseases. Last evaluated: 2024-05-30. Review status: criteria provided, single submitter. Criteria: Ambry Variant Classification Scheme 2023. Collection method: clinical testing. Allele origin: germline.

Labcorp Genetics (formerly Invitae), Labcorp
Classification: Uncertain significance. Last evaluated: 2022-05-27. Review status: criteria provided, single submitter. Criteria: Invitae Variant Classification Sherloc (09022015). Collection method: clinical testing. Allele origin: germline.
Comment: This sequence change replaces glycine, which is neutral and non-polar, with serine, which is neutral and polar, at codon 637 of the SLC25A12 protein (p.Gly637Ser). This variant is present in population databases (rs772668725, gnomAD 0.003%). This variant has not been reported in the literature in individuals affected with SLC25A12-related conditions. ClinVar contains an entry for this variant (Variation ID: 332335). Algorithms developed to predict the effect of missense changes on protein structure and function are either unavailable or do not agree on the potential impact of this missense change (SIFT: "Deleterious"; PolyPhen-2: "Probably Damaging"; Align-GVGD: "Class C0"). Algorithms developed to predict the effect of sequence changes on RNA splicing suggest that this variant may create or strengthen a splice site. In summary, the available evidence is currently insufficient to determine the role of this variant in disease. Therefore, it has been classified as a Variant of Uncertain Significance.

NM_003705.5(SLC25A12):c.1909G>A (p.Gly637Ser)

Gene: SLC25A12 (solute carrier family 25 member 12; minus strand). Cytogenetic location: 2q31.1.
Variant type: single nucleotide variant.
Coding change: c.1909G>A on transcript NM_003705.5 (MANE Select); coding-DNA position 1909, G replaced by A.
Protein change: p.Gly637Ser; replaces glycine 637 with serine.
Molecular consequence: missense variant. On other transcripts: non-coding transcript variant (1).
Genome position (GRCh38, 1-based): chr2:171,785,402, C>T on the plus strand (G>A on the coding strand, the complement: SLC25A12 is on the minus strand). VCF-style: chr2-171785402-C-T. GRCh37 (hg19) VCF-style: chr2-172641912-C-T.
Other names: c.1909G>A (NM_003705.3); short protein forms G637S.
Identifiers: ClinVar variation 332335 (VCV000332335.8), dbSNP rs772668725, ClinGen allele CA1966007.
Genomic context (GRCh38, chr2:171,785,402, plus strand): 5'-GATAAAGGCCAAATTTGTTTTCGATGCCTGCAAACGTGGCTGTGGCGAGTCTGTATCCAC[C>T]GATGTGATCAGGGTTGGCAGGAGGAAGGTCTGCAATGCGTGACTTAGGTGTTGGTTCTGA-3'
Protein context (NP_003696.2, residues 627-647): DLPPANPDHI[Gly637Ser]GYRLATATFA